The following is an entry in ClinVar:

ClinVar aggregate classification (germline): Uncertain significance (1 of 4 stars; one submission).

gnomAD v4.1: 3 of 1,613,922 alleles (0.00019%); highest among the groups gnomAD compares: Non-Finnish European, 0.00025%; no homozygotes.

Submission:

Labcorp Genetics (formerly Invitae), Labcorp
Classification: Uncertain significance. Last evaluated: 2021-04-27. Review status: criteria provided, single submitter. Criteria: Invitae Variant Classification Sherloc (09022015). Collection method: clinical testing. Allele origin: germline.
Comment: In summary, the available evidence is currently insufficient to determine the role of this variant in disease. Therefore, it has been classified as a Variant of Uncertain Significance. Algorithms developed to predict the effect of missense changes on protein structure and function (SIFT, PolyPhen-2, Align-GVGD) all suggest that this variant is likely to be tolerated, but these predictions have not been confirmed by published functional studies and their clinical significance is uncertain. This variant has not been reported in the literature in individuals with RETREG1-related conditions. This variant is not present in population databases (ExAC no frequency). This sequence change replaces proline with serine at codon 386 of the RETREG1 protein (p.Pro386Ser). The proline residue is moderately conserved and there is a moderate physicochemical difference between proline and serine.

NM_001034850.3(RETREG1):c.1156C>T (p.Pro386Ser)

Gene: RETREG1 (reticulophagy regulator 1; minus strand). Cytogenetic location: 5p15.1.
Variant type: single nucleotide variant.
Coding change: c.1156C>T on transcript NM_001034850.3 (MANE Select); coding-DNA position 1156, C replaced by T.
Protein change: p.Pro386Ser; replaces proline 386 with serine.
Molecular consequence: missense variant.
Genome position (GRCh38, 1-based): chr5:16,475,079, G>A on the plus strand (C>T on the coding strand, the complement: RETREG1 is on the minus strand). VCF-style: chr5-16475079-G-A. GRCh37 (hg19) VCF-style: chr5-16475188-G-A.
Other names: c.733C>T, p.Pro245Ser (NM_019000.5); short protein forms P245S, P386S.
Identifiers: ClinVar variation 1391077 (VCV001391077.8), dbSNP rs1427260133, ClinGen allele CA359256304.
Genomic context (GRCh38, chr5:16,475,079, plus strand): 5'-AGGTTTGGTCACTGTTCAGAGGAAGGGTGAGACCAGCTGCTGATTGCGTCTCTTTGCTTG[G>A]TCTGTGACCACTGTCCAACTGTTCCTTCTTTCTCTTGAGCTCAGTGGGCAAACCAAGGCT-3'
Protein context (NP_001030022.1, residues 376-396): KKEQLDSGHR[Pro386Ser]SKETQSAAGL